The following is an entry in ClinVar:

ClinVar aggregate classification (germline): Conflicting classifications of pathogenicity. Review status: criteria provided, conflicting classifications (1 of 4 stars). 2 submissions from 2 submitters: Uncertain significance (1); Likely benign (1). Last evaluated 2023-12-22.

Conditions:
Inborn genetic diseases. Identifiers: MedGen C0950123, MeSH D030342.

Allele frequency attached by ClinVar (database versions not stated): gnomAD exomes below 0.00001; ExAC 0.00003; gnomAD 0.00007; TOPMed 0.00008; 1000 Genomes Project 0.00020; 1000 Genomes Project 30x 0.00031.
gnomAD v4.1: 17 of 1,537,280 alleles (0.0011%); highest among the groups gnomAD compares: African/African-American, 0.023%; no homozygotes.

Submissions (2):

Labcorp Genetics (formerly Invitae), Labcorp
Classification: Likely benign. Last evaluated: 2023-12-22. Review status: criteria provided, single submitter. Criteria: Invitae Variant Classification Sherloc (09022015). Collection method: clinical testing. Allele origin: germline.

Ambry Genetics
Classification: Uncertain significance for Inborn genetic diseases. Last evaluated: 2021-01-06. Review status: criteria provided, single submitter. Criteria: Ambry Variant Classification Scheme 2023. Collection method: clinical testing. Allele origin: germline.
Comment: The c.2236G>A (p.V746I) alteration is located in exon 20 (coding exon 20) of the UBR1 gene. This alteration results from a G to A substitution at nucleotide position 2236, causing the valine (V) at amino acid position 746 to be replaced by an isoleucine (I). The p.V746I alteration is predicted to be tolerated by in silico analysis. Based on insufficient or conflicting evidence, the clinical significance of this alteration remains unclear.

NM_174916.3(UBR1):c.2236G>A (p.Val746Ile)

Gene: UBR1 (ubiquitin protein ligase E3 component n-recognin 1; minus strand). Cytogenetic location: 15q15.2.
Variant type: single nucleotide variant.
Coding change: c.2236G>A on transcript NM_174916.3 (MANE Select); coding-DNA position 2236, G replaced by A.
Protein change: p.Val746Ile; replaces valine 746 with isoleucine.
Molecular consequence: missense variant.
Genome position (GRCh38, 1-based): chr15:43,032,586, C>T on the plus strand (G>A on the coding strand, the complement: UBR1 is on the minus strand). VCF-style: chr15-43032586-C-T. GRCh37 (hg19) VCF-style: chr15-43324784-C-T.
Other names: short protein forms V746I.
Identifiers: ClinVar variation 2228721 (VCV002228721.5), dbSNP rs200810218, ClinGen allele CA7518525.